The following is an entry in ClinVar:

NM_000435.3(NOTCH3):c.5994T>G (p.Arg1998=)

Gene: NOTCH3 (notch receptor 3; minus strand). Cytogenetic location: 19p13.12.
Variant type: single nucleotide variant.
Coding change: c.5994T>G on transcript NM_000435.3 (MANE Select); coding-DNA position 5994, T replaced by G.
Protein change: p.Arg1998=; no amino-acid change (arginine 1998 retained).
Molecular consequence: synonymous variant.
Genome position (GRCh38, 1-based): chr19:15,161,634, A>C on the plus strand (T>G on the coding strand, the complement: NOTCH3 is on the minus strand). VCF-style: chr19-15161634-A-C. GRCh37 (hg19) VCF-style: chr19-15272445-A-C.
Identifiers: ClinVar variation 737858 (VCV000737858.19), dbSNP rs1599360366, ClinGen allele CA506076905.

ClinVar aggregate classification (germline): Likely benign. Review status: criteria provided, multiple submitters, no conflicts (2 of 4 stars). 2 submissions from 2 submitters: Likely benign (2). Last evaluated 2025-03-01.

Submissions (2):

CeGaT Center for Human Genetics Tuebingen
Classification: Likely benign. Last evaluated: 2025-03-01. Review status: criteria provided, single submitter. Criteria: CeGaT Center For Human Genetics Tuebingen Variant Classification Criteria Version 2. Collection method: clinical testing. Allele origin: germline. Affected: yes. Observed: 2 variant alleles.
Comment: NOTCH3: BP4, BP7

Labcorp Genetics (formerly Invitae), Labcorp
Classification: Likely benign. Last evaluated: 2018-07-05. Review status: criteria provided, single submitter. Criteria: Invitae Variant Classification Sherloc (09022015). Collection method: clinical testing. Allele origin: germline.